The following is an entry in ClinVar:

ClinVar aggregate classification (germline): Uncertain significance (1 of 4 stars; one submission).

Submission:

GeneDx
Classification: Uncertain significance. Last evaluated: 2019-06-20. Review status: criteria provided, single submitter. Criteria: GeneDx Variant Classification Process June 2021. Collection method: clinical testing. Allele origin: germline. Affected: yes.
Comment: Not observed in large population cohorts (Lek et al., 2016); In silico analysis, which includes protein predictors and evolutionary conservation, supports a deleterious effect; Variants in candidate genes are classified as variants of uncertain significance in accordance with ACMG guidelines (Richards et al., 2015); Has not been previously published as pathogenic or benign to our knowledge

NM_002107.7(H3-3A):c.20C>G (p.Thr7Ser)

Genes: H3-3A (H3.3 histone A; plus strand), LOC129932634 (ATAC-STARR-seq lymphoblastoid active region 2645; plus strand). Cytogenetic location: 1q42.12.
Variant type: single nucleotide variant.
Coding change: c.20C>G on transcript NM_002107.7 (MANE Select); coding-DNA position 20, C replaced by G.
Protein change: p.Thr7Ser; replaces threonine 7 with serine.
Molecular consequence: missense variant.
Genome position (GRCh38, 1-based): chr1:226,064,371, C>G. VCF-style: chr1-226064371-C-G. GRCh37 (hg19) VCF-style: chr1-226252072-C-G.
Other names: c.20C>G, p.Thr7Ser (NM_001379043.1, NM_001379045.1, NM_001379046.1 and 1 more transcripts); short protein forms T7S.
Identifiers: ClinVar variation 1306290 (VCV001306290.2), dbSNP rs2102735456, ClinGen allele CA345014958.